The following is an entry in ClinVar:

ClinVar aggregate classification (germline): Benign/Likely benign. Review status: criteria provided, multiple submitters, no conflicts (2 of 4 stars). 8 submissions from 8 submitters: Benign (2); Likely benign (4). 2 of the submissions do not count toward it. Last evaluated 2026-01-28.

Conditions:
SMPD1-related disorder. Also called: SMPD1-related condition.
Niemann-Pick disease, type B. Also called: Chronic Visceral ASMD (Niemann-Pick Disease Type B; NPD-B). Identifiers: Orphanet 77293, MedGen C0268243, MONDO:0011871, OMIM 607616. Disease mechanism: loss of function.
Niemann-Pick disease, type A. Also called: SPHINGOMYELIN LIPIDOSIS; SPHINGOMYELINASE DEFICIENCY; Infantile Neurovisceral ASMD (Niemann-Pick Disease Type A; NPD-A). Identifiers: Orphanet 77292, MedGen C0268242, MONDO:0009756, OMIM 257200. Disease mechanism: loss of function.

Allele frequency attached by ClinVar (database versions not stated): TOPMed 0.00643; 1000 Genomes Project 30x 0.00734; 1000 Genomes Project 0.00739; ESP Exome Variant Server 0.00816; gnomAD exomes 0.00056 and 0.00161; ExAC 0.00213; gnomAD 0.00589 and 0.00629.
gnomAD v4.1: 1,740 of 1,614,226 alleles (0.11%); highest among the groups gnomAD compares: African/African-American, 2.1%; 8 homozygotes.

Submissions (8):

Labcorp Genetics (formerly Invitae), Labcorp
Classification: Benign for Niemann-Pick disease, type B; Niemann-Pick disease, type A. Last evaluated: 2026-01-28. Review status: criteria provided, single submitter. Criteria: Invitae Variant Classification Sherloc (09022015). Collection method: clinical testing. Allele origin: germline.

CeGaT Center for Human Genetics Tuebingen
Classification: Likely benign. Last evaluated: 2025-11-01. Review status: criteria provided, single submitter. Criteria: CeGaT Center For Human Genetics Tuebingen Variant Classification Criteria Version 2. Collection method: clinical testing. Allele origin: germline. Affected: yes. Observed: 1 variant allele.
Comment: SMPD1: BP4, BS1

Mayo Clinic Laboratories, Mayo Clinic
Classification: Likely benign. Last evaluated: 2024-10-31. Review status: criteria provided, single submitter. Criteria: ACMG Guidelines, 2015. Collection method: clinical testing. Allele origin: germline. Observed: 4 variant alleles.
Comment: BS1

Women's Health and Genetics/Laboratory Corporation of America, LabCorp
Classification: Likely benign. Last evaluated: 2022-03-08. Review status: criteria provided, single submitter. Criteria: LabCorp Variant Classification Summary - May 2015. Collection method: clinical testing. Allele origin: germline.
Comment: Variant summary: SMPD1 c.1625G>A (p.Arg542Gln) results in a conservative amino acid change located in the Sphingomyelin phosphodiesterase, C-terminal domain (IPR045473) of the encoded protein sequence. Two of four in-silico tools predict a benign effect of the variant on protein function. The variant allele was found at a frequency of 0.0016 in 251356 control chromosomes, predominantly at a frequency of 0.023 within the African or African-American subpopulation in the gnomAD database, including 5 homozygotes. The observed variant frequency within African or African-American control individuals in the gnomAD database is approximately 10 fold of the estimated maximal expected allele frequency for a pathogenic variant in SMPD1 causing Niemann-Pick Disease phenotype (0.0022), strongly suggesting that the variant is a benign polymorphism found primarily in populations of African or African-American origin. Three clinical diagnostic laboratories have submitted clinical-significance assessments for this variant to ClinVar after 2014 and classified the variant as benign (n=2) and likely benign (n=1). Based on the evidence outlined above, the variant was classified as likely benign.

GeneDx
Classification: Benign. Last evaluated: 2021-06-02. Review status: criteria provided, single submitter. Criteria: GeneDx Variant Classification Process June 2021. Collection method: clinical testing. Allele origin: germline. Affected: yes.
Comment: This variant is associated with the following publications: (PMID: 29029963)

Illumina Laboratory Services, Illumina
Classification: Likely benign for Niemann-Pick disease, type A. Last evaluated: 2018-01-13. Review status: criteria provided, single submitter. Criteria: ICSL Variant Classification Criteria 13 December 2019. Collection method: clinical testing. Allele origin: germline.
Comment: This variant was observed in the ICSL laboratory as part of a predisposition screen in an ostensibly healthy population. It had not been previously curated by ICSL or reported in the Human Gene Mutation Database (HGMD: prior to June 1st, 2018), and was therefore a candidate for classification through an automated scoring system. Utilizing variant allele frequency, disease prevalence and penetrance estimates, and inheritance mode, an automated score was calculated to assess if this variant is too frequent to cause the disease. Based on the score and internal cut-off values, a variant classified as likely benign is not then subjected to further curation. The score for this variant resulted in a classification of likely benign for this disease.

PreventionGenetics, part of Exact Sciences
Classification: Benign for SMPD1-related condition. Last evaluated: 2019-08-29. Review status: no assertion criteria provided. Collection method: clinical testing. Allele origin: germline. Not counted in ClinVar's aggregate classification.
Comment: This variant is classified as benign based on ACMG/AMP sequence variant interpretation guidelines (Richards et al. 2015 PMID: 25741868, with internal and published modifications).

Natera, Inc.
Classification: Benign for Niemann-Pick Disease, Types A/B. Last evaluated: 2017-05-08. Review status: no assertion criteria provided. Collection method: clinical testing. Allele origin: germline. Not counted in ClinVar's aggregate classification.

NM_000543.5(SMPD1):c.1625G>A (p.Arg542Gln)

Gene: SMPD1 (sphingomyelin phosphodiesterase 1; plus strand). Cytogenetic location: 11p15.4.
Variant type: single nucleotide variant.
Coding change: c.1625G>A on transcript NM_000543.5 (MANE Select); coding-DNA position 1625, G replaced by A.
Protein change: p.Arg542Gln; replaces arginine 542 with glutamine.
Molecular consequence: missense variant. On other transcripts: 3 prime UTR variant (1), non-coding transcript variant (2).
Genome position (GRCh38, 1-based): chr11:6,394,336, G>A. VCF-style: chr11-6394336-G-A. GRCh37 (hg19) VCF-style: chr11-6415566-G-A.
Other names: p.Arg542Gln; c.1622G>A, p.Arg541Gln (NM_001007593.3); c.*118G>A (NM_001318087.2); c.704G>A, p.Arg235Gln (NM_001318088.2); c.1493G>A, p.Arg498Gln (NM_001365135.2); short protein forms R542Q, R498Q, R235Q, R541Q.
Identifiers: ClinVar variation 305207 (VCV000305207.28), dbSNP rs113467489, ClinGen allele CA5852947.
Genomic context (GRCh38, chr11:6,394,336, plus strand): 5'-ATCTGACCCAGGCAAACATACCGGGAGCCATACCGCACTGGCAGCTTCTCTACAGGGCTC[G>A]AGAAACCTATGGGCTGCCCAACACACTGCCTACCGCCTGGCACAACCTGGTATATCGCAT-3'
Protein context (NP_000534.3, residues 532-552): IPHWQLLYRA[Arg542Gln]ETYGLPNTLP